The following is an entry in ClinVar:

ClinVar aggregate classification (germline): Likely benign. Review status: criteria provided, single submitter (1 of 4 stars). 2 submissions from 2 submitters: Likely benign (1). 1 of the submissions does not count toward it. Last evaluated 2025-03-20.

Conditions:
MYLK-related disorder. Also called: MYLK-related condition.
Aortic aneurysm, familial thoracic 7 (AAT7). Also called: AORTIC DISSECTION, FAMILIAL, WITH OR WITHOUT AORTIC ANEURYSM. Identifiers: MedGen C3151077, MONDO:0013418, OMIM 613780.

Allele frequency attached by ClinVar (database versions not stated): gnomAD exomes below 0.00001; gnomAD 0.00001; ExAC 0.00002; TOPMed 0.00003.
gnomAD v4.1: 5 of 1,613,942 alleles (0.00031%); highest among the groups gnomAD compares: African/African-American, 0.004%; no homozygotes.

Submissions (2):

Labcorp Genetics (formerly Invitae), Labcorp
Classification: Likely benign for Aortic aneurysm, familial thoracic 7. Last evaluated: 2025-03-20. Review status: criteria provided, single submitter. Criteria: Invitae Variant Classification Sherloc (09022015). Collection method: clinical testing. Allele origin: germline.

PreventionGenetics, part of Exact Sciences
Classification: Likely benign for MYLK-related condition. Last evaluated: 2024-07-01. Review status: no assertion criteria provided. Collection method: clinical testing. Allele origin: germline. Not counted in ClinVar's aggregate classification.
Comment: This variant is classified as likely benign based on ACMG/AMP sequence variant interpretation guidelines (Richards et al. 2015 PMID: 25741868, with internal and published modifications).

NM_053025.4(MYLK):c.165+10G>A

Genes: MYLK (myosin light chain kinase; minus strand), LOC126806792 (CDK7 strongly-dependent group 2 enhancer GRCh37_chr3:123511339-123512538; plus strand). Cytogenetic location: 3q21.1.
Variant type: single nucleotide variant.
Coding change: c.165+10G>A on transcript NM_053025.4 (MANE Select); 10 bases into the intron after coding-DNA position 165, G replaced by A.
Molecular consequence: intron variant.
Genome position (GRCh38, 1-based): chr3:123,793,667, C>T on the plus strand (G>A on the coding strand, the complement: MYLK is on the minus strand). VCF-style: chr3-123793667-C-T. GRCh37 (hg19) VCF-style: chr3-123512514-C-T.
Other names: c.165+10G>A (NM_053025.3, NM_053028.4, NM_053026.4 and 1 more transcripts); c.-156+10G>A (NM_001321309.2).
Identifiers: ClinVar variation 1979586 (VCV001979586.5), dbSNP rs746402430, ClinGen allele CA067652.